The following is an entry in ClinVar:

NM_000088.4(COL1A1):c.1550C>T (p.Ala517Val)

Gene: COL1A1 (collagen type I alpha 1 chain; minus strand). Cytogenetic location: 17q21.33.
Variant type: single nucleotide variant.
Coding change: c.1550C>T on transcript NM_000088.4 (MANE Select); coding-DNA position 1550, C replaced by T.
Protein change: p.Ala517Val; replaces alanine 517 with valine.
Molecular consequence: missense variant.
Genome position (GRCh38, 1-based): chr17:50,194,413, G>A on the plus strand (C>T on the coding strand, the complement: COL1A1 is on the minus strand). VCF-style: chr17-50194413-G-A. GRCh37 (hg19) VCF-style: chr17-48271774-G-A.
Other names: short protein forms A517V.
Identifiers: ClinVar variation 942589 (VCV000942589.12), dbSNP rs1907378945, ClinGen allele CA400216762.
Genomic context (GRCh38, chr17:50,194,413, plus strand): 5'-GCACCAGGCAGACCAGCTTCACCGGGACGACCAGCTTCACCAGGAGATCCTTTGGGGCCA[G>A]CAGGGCCAGGAGAACCACGTTCACCAGCGGGACCCTGGTTGGGGGAAGTCACAGGAACAG-3'
Protein context (NP_000079.2, residues 507-527): PAGERGSPGP[Ala517Val]GPKGSPGEAG

ClinVar aggregate classification (germline): Uncertain significance. Review status: criteria provided, multiple submitters, no conflicts (2 of 4 stars). 3 submissions from 3 submitters: Uncertain significance (3). Last evaluated 2026-06-18.

Conditions:
Osteogenesis imperfecta type I (OI1). Also called: OI, TYPE I; OSTEOGENESIS IMPERFECTA TARDA; OSTEOGENESIS IMPERFECTA WITH BLUE SCLERAE; Lobstein's Disease; Classic Non-deforming Osteogenesis Imperfecta with Blue Sclerae; Lobstein disease. Identifiers: Orphanet 216796, Orphanet 666, MedGen C0023931, MONDO:0008146, OMIM 166200. Disease mechanism: loss of function.
Cardiovascular phenotype. Identifiers: MedGen CN230736.

gnomAD v4.1: 8 of 1,614,196 alleles (0.0005%); highest among the groups gnomAD compares: Non-Finnish European, 0.00068%; no homozygotes.

Submissions (3):

Ambry Genetics
Classification: Uncertain significance for Cardiovascular phenotype. Last evaluated: 2026-06-18. Review status: criteria provided, single submitter. Criteria: Ambry Variant Classification Scheme 2023. Collection method: clinical testing. Allele origin: germline.
Comment: The p.A517V variant (also known as c.1550C>T), located in coding exon 23 of the COL1A1 gene, results from a C to T substitution at nucleotide position 1550. The alanine at codon 517 is replaced by valine, an amino acid with similar properties. This amino acid position is conserved. In addition, the in silico prediction for this alteration is inconclusive. Based on the available evidence, the clinical significance of this variant remains unclear.

Women's Health and Genetics/Laboratory Corporation of America, LabCorp
Classification: Uncertain significance. Last evaluated: 2025-11-24. Review status: criteria provided, single submitter. Criteria: LabCorp Variant Classification Summary - May 2015. Collection method: clinical testing. Allele origin: germline.
Comment: Variant summary: COL1A1 c.1550C>T (p.Ala517Val) results in a non-conservative amino acid change in the encoded protein sequence. Algorithms developed to predict the effect of missense changes on protein structure and function all suggest that this variant is likely to be disruptive. The variant was absent in 251318 control chromosomes. The available data on variant occurrences in the general population are insufficient to allow any conclusion about variant significance. To our knowledge, no occurrence of c.1550C>T in individuals affected with COL1A1-related conditions and no experimental evidence demonstrating its impact on protein function have been reported. ClinVar contains an entry for this variant (Variation ID: 942589). Based on the evidence outlined above, the variant was classified as uncertain significance.

Labcorp Genetics (formerly Invitae), Labcorp
Classification: Uncertain significance for Osteogenesis imperfecta type I. Last evaluated: 2019-06-28. Review status: criteria provided, single submitter. Criteria: Invitae Variant Classification Sherloc (09022015). Collection method: clinical testing. Allele origin: germline.
Comment: In summary, the available evidence is currently insufficient to determine the role of this variant in disease. Therefore, it has been classified as a Variant of Uncertain Significance. Algorithms developed to predict the effect of missense changes on protein structure and function are either unavailable or do not agree on the potential impact of this missense change (SIFT: "Tolerated"; PolyPhen-2: "Not Available"; Align-GVGD: "Class C0"). This variant has not been reported in the literature in individuals with COL1A1-related conditions. This variant is not present in population databases (ExAC no frequency). This sequence change replaces alanine with valine at codon 517 of the COL1A1 protein (p.Ala517Val). The alanine residue is highly conserved and there is a small physicochemical difference between alanine and valine.

Literature cited by the submitters: PubMed 24755471 (cited by Women's Health and Genetics/Laboratory Corporation of America, LabCorp); PubMed 27149842 (cited by Women's Health and Genetics/Laboratory Corporation of America, LabCorp).